The following continues an entry in ClinVar:

NM_000492.4(CFTR):c.3909C>G (p.Asn1303Lys)

Gene: CFTR. ClinVar aggregate classification (germline): Pathogenic. Pathogenic (1).

Submissions 49 to 53 of 53:

Diagnostic Laboratory, Department of Genetics, University Medical Center Groningen
Classification: Pathogenic. Review status: no assertion criteria provided. Collection method: clinical testing. Allele origin: germline. Affected: yes. Study: VKGL Data-share Consensus. Not counted in ClinVar's aggregate classification.

GeneReviews
No classification provided. Condition: Cystic fibrosis. Review status: no classification provided. Collection method: literature only. Allele origin: unknown. Not counted in ClinVar's aggregate classification.

Genomics And Bioinformatics Analysis Resource, Columbia University
Classification: Pathogenic for Cystic fibrosis. Review status: no assertion criteria provided. Collection method: research. Allele origin: unknown. Affected: yes. Not counted in ClinVar's aggregate classification.
Comment: Compound Heterozygous

Joint Genome Diagnostic Labs from Nijmegen and Maastricht, Radboudumc and MUMC+
Classification: Pathogenic. Review status: no assertion criteria provided. Collection method: clinical testing. Allele origin: germline. Affected: yes. Study: VKGL Data-share Consensus. Not counted in ClinVar's aggregate classification.

Genomic Medicine Center of Excellence, King Faisal Specialist Hospital and Research Centre
Classification: Uncertain significance for Cystic fibrosis. Last evaluated: 2024-04-04. Review status: flagged submission. Criteria: ACMG Guidelines, 2015. Collection method: clinical testing. Allele origin: germline. Not counted in ClinVar's aggregate classification.
ClinVar note: Reason: Outlier claim with insufficient supporting evidence

Literature cited by the submitters: PMC 3110945 (cited by American College of Medical Genetics and Genomics  (ACMG)); PubMed 23891399 (cited by 4 submitters); PubMed 25799511 (cited by 3 submitters); PubMed 35558347 (cited by Dasa); PubMed 34874053 (cited by Dasa); PubMed 1380943 (cited by 6 submitters); PubMed 12767731 (cited by Dasa and Labcorp Genetics (formerly Invitae), Labcorp); PubMed 22658665 (cited by 4 submitters); PubMed 35646184 (cited by Dasa); PubMed 36655002 (cited by Dasa); PubMed 15371902 (cited by Labcorp Genetics (formerly Invitae), Labcorp and GeneReviews); PubMed 21520337 (cited by 3 submitters); PubMed 23951356 (cited by 3 submitters); PubMed 23974870 (cited by Labcorp Genetics (formerly Invitae), Labcorp and Quest Diagnostics Nichols Institute San Juan Capistrano); PubMed 9917439 (cited by Natera, Inc.); PubMed 15334505 (cited by Natera, Inc.); PubMed 1998343 (cited by 5 submitters); PubMed 32220772 (cited by 3billion and Quest Diagnostics Nichols Institute San Juan Capistrano); PubMed 1284537 (cited by 3billion); PubMed 1712898 (cited by Ambry Genetics and Quest Diagnostics Nichols Institute San Juan Capistrano); PubMed 11280952 (cited by Quest Diagnostics Nichols Institute San Juan Capistrano); PubMed 26208274 (cited by Quest Diagnostics Nichols Institute San Juan Capistrano); PubMed 23751316 (cited by 3 submitters); PubMed 21679131 (cited by Quest Diagnostics Nichols Institute San Juan Capistrano and Illumina Laboratory Services, Illumina); PubMed 15994263 (cited by Quest Diagnostics Nichols Institute San Juan Capistrano); PubMed 26075213 (cited by Quest Diagnostics Nichols Institute San Juan Capistrano and Undiagnosed Diseases Network, NIH); PubMed 26823392 (cited by Quest Diagnostics Nichols Institute San Juan Capistrano); PubMed 11186891 (cited by Quest Diagnostics Nichols Institute San Juan Capistrano); PubMed 11484207 (cited by Quest Diagnostics Nichols Institute San Juan Capistrano); PubMed 11924117 (cited by Quest Diagnostics Nichols Institute San Juan Capistrano); PubMed 15357568 (cited by Quest Diagnostics Nichols Institute San Juan Capistrano); PubMed 15614862 (cited by Quest Diagnostics Nichols Institute San Juan Capistrano and Undiagnosed Diseases Network, NIH); PubMed 17127107 (cited by Quest Diagnostics Nichols Institute San Juan Capistrano); PubMed 1723032 (cited by Quest Diagnostics Nichols Institute San Juan Capistrano); PubMed 17348320 (cited by Quest Diagnostics Nichols Institute San Juan Capistrano); PubMed 18456578 (cited by Quest Diagnostics Nichols Institute San Juan Capistrano and Undiagnosed Diseases Network, NIH); PubMed 19885835 (cited by Quest Diagnostics Nichols Institute San Juan Capistrano and Sema4); PubMed 20865572 (cited by Quest Diagnostics Nichols Institute San Juan Capistrano and Undiagnosed Diseases Network, NIH); PubMed 21228398 (cited by Quest Diagnostics Nichols Institute San Juan Capistrano and Undiagnosed Diseases Network, NIH); PubMed 22020151 (cited by 3 submitters); PubMed 22975760 (cited by Quest Diagnostics Nichols Institute San Juan Capistrano and Undiagnosed Diseases Network, NIH); PubMed 24440181 (cited by Quest Diagnostics Nichols Institute San Juan Capistrano and Undiagnosed Diseases Network, NIH); PubMed 25087612 (cited by Quest Diagnostics Nichols Institute San Juan Capistrano); PubMed 25489051 (cited by Quest Diagnostics Nichols Institute San Juan Capistrano and Undiagnosed Diseases Network, NIH); PubMed 28655774 (cited by Quest Diagnostics Nichols Institute San Juan Capistrano); PubMed 29208182 (cited by Quest Diagnostics Nichols Institute San Juan Capistrano); PubMed 29261177 (cited by Quest Diagnostics Nichols Institute San Juan Capistrano); PubMed 30293248 (cited by Quest Diagnostics Nichols Institute San Juan Capistrano); PubMed 31019283 (cited by Quest Diagnostics Nichols Institute San Juan Capistrano); PubMed 31036917 (cited by Quest Diagnostics Nichols Institute San Juan Capistrano); PubMed 31523618 (cited by Quest Diagnostics Nichols Institute San Juan Capistrano); PubMed 31589614 (cited by Quest Diagnostics Nichols Institute San Juan Capistrano); PubMed 32429104 (cited by Quest Diagnostics Nichols Institute San Juan Capistrano); PubMed 34190021 (cited by Quest Diagnostics Nichols Institute San Juan Capistrano); PubMed 34426522 (cited by Quest Diagnostics Nichols Institute San Juan Capistrano); PubMed 20301428 (cited by Illumina Laboratory Services, Illumina and GeneReviews); PubMed 25326635 (cited by Baylor Genetics).